The following is an entry in ClinVar:

NM_000169.3(GLA):c.155G>A (p.Cys52Tyr)

Genes: GLA (galactosidase alpha; minus strand), RPL36A-HNRNPH2 (RPL36A-HNRNPH2 readthrough; plus strand). Cytogenetic location: Xq22.1.
Variant type: single nucleotide variant.
Coding change: c.155G>A on transcript NM_000169.3 (MANE Select); coding-DNA position 155, G replaced by A.
Protein change: p.Cys52Tyr; replaces cysteine 52 with tyrosine.
Molecular consequence: missense variant. On other transcripts: non-coding transcript variant (3), intron variant (2).
Genome position (GRCh38, 1-based): chrX:101,407,749, C>T on the plus strand (G>A on the coding strand, the complement: GLA is on the minus strand). VCF-style: chrX-101407749-C-T. GRCh37 (hg19) VCF-style: chrX-100662737-C-T.
Other names: c.155G>A, p.Cys52Tyr (NM_001406747.1, NM_001406748.1, NM_001406749.1); c.301-4187C>T (NM_001199973.2); c.178-4187C>T (NM_001199974.2); short protein forms C52Y.
Identifiers: ClinVar variation 4087283 (VCV004087283.3).

ClinVar aggregate classification (germline): Pathogenic. Review status: criteria provided, multiple submitters, no conflicts (2 of 4 stars). 2 submissions from 2 submitters: Pathogenic (2). Last evaluated 2026-09-08.

Conditions:
Fabry disease. Also called: ALPHA-GALACTOSIDASE A DEFICIENCY; ANDERSON-FABRY DISEASE; CERAMIDE TRIHEXOSIDASE DEFICIENCY; GLA DEFICIENCY; HEREDITARY DYSTOPIC LIPIDOSIS; Angiokeratoma corporis diffusum. Identifiers: Orphanet 324, MedGen C0002986, MONDO:0010526, OMIM 301500, HP:0001071. Disease mechanism: Fabry disease is due to inactivating mutations in the X-linked GLA gene resulting in deficiency of the enzyme Alpha Galactosidase-A., loss of function.

Submissions (2):

Genomenon, Inc
Classification: Pathogenic for Fabry disease. Last evaluated: 2026-09-08. Review status: criteria provided, single submitter. Criteria: Genomenon Sequence Variant Interpretation Standards - Updated. Collection method: curation. Allele origin: germline. Affected: yes.
Comment: GLA p.Cys52Tyr (c.155G>A) is a missense variant that changes the amino acid at codon 52 from Cysteine to Tyrosine. This variant has been observed in at least one proband with clinical features consistent with Fabry disease (PMID:33844184;18445046;23980562;33204599). At least one functional study has demonstrated a substantial alteration in protein function relative to the wild-type (PMID:27657681). This variant is located in a mutational hotspot and/or important functional domain. It is absent or not present at a significant frequency in gnomAD. In silico models predict that this variant is possibly or probably damaging. In conclusion, we classify GLA p.Cys52Tyr (c.155G>A) as a pathogenic variant.

Serv. Biochemistry and Molecular genetics, Hospital Clinic de Barcelona, Hospital Clínic de Barcelona
Classification: Pathogenic for Fabry disease. Last evaluated: 2026-05-21. Review status: criteria provided, single submitter. Criteria: ACMG Guidelines, 2015. Collection method: clinical testing. Allele origin: germline. Inheritance: X-linked inheritance. Affected: yes. Observed: 2 variant alleles.
Comment: Classification reported in the manuscript using ACMG criteria/in silico tools: Pathogenic. Variant type: Missense; amino acid change: p.Cys52Tyr. Criteria: PM1, PM2, PM5, PP2, PP3, PS4,

Literature cited by the submitters: PubMed 33844184 (cited by Genomenon, Inc); PubMed 18445046 (cited by Genomenon, Inc); PubMed 23980562 (cited by Genomenon, Inc); PubMed 33204599 (cited by Genomenon, Inc); PubMed 27657681 (cited by Genomenon, Inc); PubMed 19941952 (cited by Serv. Biochemistry and Molecular genetics, Hospital Clinic de Barcelona, Hospital Clínic de Barcelona).